The following is an entry in ClinVar:

ClinVar aggregate classification (germline): Uncertain significance (1 of 4 stars; one submission).

Conditions:
Congenital myopathy with internal nuclei and atypical cores. Also called: Myopathy, centronuclear, 4. Identifiers: Orphanet 319160, MedGen C4707232, MONDO:0013890, OMIM 614807.

Submission:

Labcorp Genetics (formerly Invitae), Labcorp
Classification: Uncertain significance for Congenital myopathy with internal nuclei and atypical cores. Last evaluated: 2025-08-12. Review status: criteria provided, single submitter. Criteria: Invitae Variant Classification Sherloc (09022015). Collection method: clinical testing. Allele origin: germline.
Comment: This sequence change affects the initiator codon of the CCDC78 mRNA. This change may impact translation initiation or efficiency. The next in-frame methionine is located at codon 152. This variant is not present in population databases (gnomAD no frequency). This variant has not been reported in the literature in individuals affected with CCDC78-related conditions. Experimental studies and prediction algorithms are not available or were not evaluated, and the functional significance of this variant is currently unknown. In summary, the available evidence is currently insufficient to determine the role of this variant in disease. Therefore, it has been classified as a Variant of Uncertain Significance.

NM_001378030.1(CCDC78):c.2T>C (p.Met1Thr)

Gene: CCDC78 (coiled-coil domain containing 78; minus strand). Cytogenetic location: 16p13.3.
Variant type: single nucleotide variant.
Coding change: c.2T>C on transcript NM_001378030.1 (MANE Select); coding-DNA position 2, T replaced by C.
Protein change: p.Met1Thr; changes the start codon (methionine 1).
Molecular consequence: missense variant, initiator codon variant. On other transcripts: non-coding transcript variant (3), intron variant (1).
Genome position (GRCh38, 1-based): chr16:726,366, A>G on the plus strand (T>C on the coding strand, the complement: CCDC78 is on the minus strand). VCF-style: chr16-726366-A-G. GRCh37 (hg19) VCF-style: chr16-776366-A-G.
Other names: c.2T>C, p.Met1Thr (NM_001031737.3, NM_001378031.1); c.-225-281T>C (NM_001378033.1); short protein forms M1T.
Identifiers: ClinVar variation 4771826 (VCV004771826.1).